The following is an entry in ClinVar:

ClinVar aggregate classification (germline): Uncertain significance (1 of 4 stars; one submission).

Conditions:
Congenital sideroblastic anemia-B-cell immunodeficiency-periodic fever-developmental delay syndrome. Also called: Sideroblastic anemia with B-cell immunodeficiency, periodic fevers, and developmental delay. Identifiers: Orphanet 369861, MedGen C4015172, MONDO:0014487, OMIM 616084.

Submission:

Labcorp Genetics (formerly Invitae), Labcorp
Classification: Uncertain significance for Congenital sideroblastic anemia-B-cell immunodeficiency-periodic fever-developmental delay syndrome. Last evaluated: 2022-04-05. Review status: criteria provided, single submitter. Criteria: Invitae Variant Classification Sherloc (09022015). Collection method: clinical testing. Allele origin: germline.
Comment: This sequence change replaces methionine, which is neutral and non-polar, with valine, which is neutral and non-polar, at codon 158 of the TRNT1 protein (p.Met158Val). This variant is present in population databases (rs771781629, gnomAD 0.01%). This missense change has been observed in individuals with sideroblastic anemia with B-cell immunodeficiency (PMID: 25193871). ClinVar contains an entry for this variant (Variation ID: 942285). Algorithms developed to predict the effect of missense changes on protein structure and function are either unavailable or do not agree on the potential impact of this missense change (SIFT: "Deleterious"; PolyPhen-2: "Possibly Damaging"; Align-GVGD: "Class C0"). Experimental studies have shown that this missense change affects TRNT1 function (PMID: 25193871, 29454993). In summary, the available evidence is currently insufficient to determine the role of this variant in disease. Therefore, it has been classified as a Variant of Uncertain Significance.

Literature cited by the submitters: PubMed 25193871; PubMed 29454993.

NM_182916.3(TRNT1):c.472A>G (p.Met158Val)

Gene: TRNT1 (tRNA nucleotidyl transferase 1; plus strand). Cytogenetic location: 3p26.2.
Variant type: single nucleotide variant.
Coding change: c.472A>G on transcript NM_182916.3 (MANE Select); coding-DNA position 472, A replaced by G.
Protein change: p.Met158Val; replaces methionine 158 with valine.
Molecular consequence: missense variant. On other transcripts: non-coding transcript variant (6).
Genome position (GRCh38, 1-based): chr3:3,140,639, A>G. VCF-style: chr3-3140639-A-G. GRCh37 (hg19) VCF-style: chr3-3182323-A-G.
Other names: c.472A>G, p.Met158Val (NM_001302946.2, NM_001367321.1, NM_001367322.1 and 1 more transcripts); short protein forms M158V.
Identifiers: ClinVar variation 942285 (VCV000942285.4), dbSNP rs771781629, ClinGen allele CA2228660.